The following is an entry in ClinVar:

NM_022114.4(PRDM16):c.912G>A (p.Thr304=)

Gene: PRDM16 (PR/SET domain 16; plus strand). Cytogenetic location: 1p36.32.
Variant type: single nucleotide variant.
Coding change: c.912G>A on transcript NM_022114.4 (MANE Select); coding-DNA position 912, G replaced by A.
Protein change: p.Thr304=; no amino-acid change (threonine 304 retained).
Molecular consequence: synonymous variant.
Genome position (GRCh38, 1-based): chr1:3,404,766, G>A. VCF-style: chr1-3404766-G-A. GRCh37 (hg19) VCF-style: chr1-3321330-G-A.
Other names: c.912G>A, p.Thr304= (NM_199454.3).
Identifiers: ClinVar variation 509593 (VCV000509593.8), dbSNP rs371323418, ClinGen allele CA544028.

ClinVar aggregate classification (germline): Likely benign. Review status: criteria provided, multiple submitters, no conflicts (2 of 4 stars). 2 submissions from 2 submitters: Likely benign (2). Last evaluated 2023-08-11.

Conditions:
Left ventricular noncompaction 8 (LVNC8). Identifiers: Orphanet 154, Orphanet 54260, MedGen C3809288, MONDO:0014152, OMIM 615373.

Allele frequency attached by ClinVar (database versions not stated): gnomAD exomes 0.00003; TOPMed 0.00004; ESP Exome Variant Server 0.00008.
gnomAD v4.1: 25 of 1,613,550 alleles (0.0015%); highest among the groups gnomAD compares: East Asian, 0.0089%; no homozygotes.

Submissions (2):

Labcorp Genetics (formerly Invitae), Labcorp
Classification: Likely benign for Left ventricular noncompaction 8. Last evaluated: 2023-08-11. Review status: criteria provided, single submitter. Criteria: Invitae Variant Classification Sherloc (09022015). Collection method: clinical testing. Allele origin: germline.

GeneDx
Classification: Likely benign. Last evaluated: 2017-05-16. Review status: criteria provided, single submitter. Criteria: GeneDx Variant Classification (06012015). Collection method: clinical testing. Allele origin: germline. Affected: yes.
Comment: This variant is considered likely benign or benign based on one or more of the following criteria: it is a conservative change, it occurs at a poorly conserved position in the protein, it is predicted to be benign by multiple in silico algorithms, and/or has population frequency not consistent with disease.